The following is an entry in ClinVar:

NM_152383.5(DIS3L2):c.2271C>G (p.Phe757Leu)

Gene: DIS3L2 (DIS3 like 3'-5' exoribonuclease 2; plus strand). Cytogenetic location: 2q37.1.
Variant type: single nucleotide variant.
Coding change: c.2271C>G on transcript NM_152383.5 (MANE Select); coding-DNA position 2271, C replaced by G.
Protein change: p.Phe757Leu; replaces phenylalanine 757 with leucine.
Molecular consequence: missense variant. On other transcripts: non-coding transcript variant (2), intron variant (1).
Genome position (GRCh38, 1-based): chr2:232,334,481, C>G. VCF-style: chr2-232334481-C-G. GRCh37 (hg19) VCF-style: chr2-233199191-C-G.
Other names: c.1582-8864C>G (NM_001257281.2); short protein forms F757L.
Identifiers: ClinVar variation 839975 (VCV000839975.12), dbSNP rs560015968, ClinGen allele CA2164470.

ClinVar aggregate classification (germline): Uncertain significance. Review status: criteria provided, multiple submitters, no conflicts (2 of 4 stars). 3 submissions from 3 submitters: Uncertain significance (3). Last evaluated 2025-11-03.

Conditions:
Inborn genetic diseases. Identifiers: MedGen C0950123, MeSH D030342.
Perlman syndrome (PRLMNS). Identifiers: Orphanet 2849, MedGen C0796113, MONDO:0009965, OMIM 267000.

Allele frequency attached by ClinVar (database versions not stated): gnomAD exomes below 0.00001 and 0.00002; gnomAD 0.00002 and 0.00003; ExAC 0.00003; TOPMed 0.00005; 1000 Genomes Project 30x 0.00016; 1000 Genomes Project 0.00020.
gnomAD v4.1: 6 of 1,613,908 alleles (0.00037%); highest among the groups gnomAD compares: African/African-American, 0.0067%; no homozygotes.

Submissions (3):

Labcorp Genetics (formerly Invitae), Labcorp
Classification: Uncertain significance for Perlman syndrome. Last evaluated: 2025-11-03. Review status: criteria provided, single submitter. Criteria: Invitae Variant Classification Sherloc (09022015). Collection method: clinical testing. Allele origin: germline.
Comment: This sequence change replaces phenylalanine, which is neutral and non-polar, with leucine, which is neutral and non-polar, at codon 757 of the DIS3L2 protein (p.Phe757Leu). This variant is present in population databases (rs560015968, gnomAD 0.02%). This variant has not been reported in the literature in individuals affected with DIS3L2-related conditions. ClinVar contains an entry for this variant (Variation ID: 839975). Invitae Evidence Modeling of protein sequence and biophysical properties (such as structural, functional, and spatial information, amino acid conservation, physicochemical variation, residue mobility, and thermodynamic stability) has been performed for this missense variant. However, the output from this modeling did not meet the statistical confidence thresholds required to predict the impact of this variant on DIS3L2 protein function. In summary, the available evidence is currently insufficient to determine the role of this variant in disease. Therefore, it has been classified as a Variant of Uncertain Significance.

Ambry Genetics
Classification: Uncertain significance for Inborn genetic diseases. Last evaluated: 2023-09-26. Review status: criteria provided, single submitter. Criteria: Ambry Variant Classification Scheme 2023. Collection method: clinical testing. Allele origin: germline.

Illumina Laboratory Services, Illumina
Classification: Uncertain significance for Perlman syndrome. Last evaluated: 2018-01-12. Review status: criteria provided, single submitter. Criteria: ICSL Variant Classification Criteria 13 December 2019. Collection method: clinical testing. Allele origin: germline.